The following is an entry in ClinVar:

ClinVar aggregate classification (germline): Uncertain significance (1 of 4 stars; one submission).

Conditions:
Adenylosuccinate lyase deficiency (ADSLD). Also called: ADSL DEFICIENCY. Identifiers: Orphanet 46, MedGen C0268126, MONDO:0007068, OMIM 103050.

Submission:

Labcorp Genetics (formerly Invitae), Labcorp
Classification: Uncertain significance for Adenylosuccinate lyase deficiency. Last evaluated: 2022-12-06. Review status: criteria provided, single submitter. Criteria: Invitae Variant Classification Sherloc (09022015). Collection method: clinical testing. Allele origin: germline.
Comment: In summary, the available evidence is currently insufficient to determine the role of this variant in disease. Therefore, it has been classified as a Variant of Uncertain Significance. Variants that disrupt the consensus splice site are a relatively common cause of aberrant splicing (PMID: 17576681, 9536098). Algorithms developed to predict the effect of sequence changes on RNA splicing suggest that this variant is not likely to affect RNA splicing. This variant has not been reported in the literature in individuals affected with ADSL-related conditions. This variant is not present in population databases (gnomAD no frequency). This sequence change falls in intron 6 of the ADSL gene. It does not directly change the encoded amino acid sequence of the ADSL protein. It affects a nucleotide within the consensus splice site.

Literature cited by the submitters: PubMed 17576681; PubMed 9536098.

NM_000026.4(ADSL):c.701+3A>G

Gene: ADSL (adenylosuccinate lyase; plus strand). Cytogenetic location: 22q13.1.
Variant type: single nucleotide variant.
Coding change: c.701+3A>G on transcript NM_000026.4 (MANE Select); 3 bases into the intron after coding-DNA position 701, A replaced by G.
Molecular consequence: intron variant.
Genome position (GRCh38, 1-based): chr22:40,359,309, A>G. VCF-style: chr22-40359309-A-G. GRCh37 (hg19) VCF-style: chr22-40755313-A-G.
Other names: c.701+3A>G (NM_001363840.3, NM_001123378.3); c.509+3A>G (NM_001317923.2).
Identifiers: ClinVar variation 2166655 (VCV002166655.4), dbSNP rs2518113224, ClinGen allele CA2563618665.
Genomic context (GRCh38, chr22:40,359,309, plus strand): 5'-TTCTTTCCAAGGTAGAGCAGCTTGACAAGATGGTGACAGAAAAGGCAGGATTTAAGAGGT[A>G]GGTAAATGGGAATGTGTTGGCCTCCCTGTTAAGTTGATGGAAGTCCTATATTCAGTATAC-3'